The following is an entry in ClinVar:

ClinVar aggregate classification (germline): Uncertain significance (1 of 4 stars; one submission).

Conditions:
Brugada syndrome. Also called: Sudden Unexplained Death Syndrome; Sudden Unexplained Nocturnal Death Syndrome (SUNDS); Sudden unexplained nocturnal death syndrome; Sudden unexpected nocturnal death syndrome. Identifiers: Orphanet 130, MedGen C1142166, MONDO:0015263.

Submission:

Labcorp Genetics (formerly Invitae), Labcorp
Classification: Uncertain significance for Brugada syndrome. Last evaluated: 2022-09-01. Review status: criteria provided, single submitter. Criteria: Invitae Variant Classification Sherloc (09022015). Collection method: clinical testing. Allele origin: germline.
Comment: This variant is not present in population databases (gnomAD no frequency). In summary, the available evidence is currently insufficient to determine the role of this variant in disease. Therefore, it has been classified as a Variant of Uncertain Significance. Advanced modeling of protein sequence and biophysical properties (such as structural, functional, and spatial information, amino acid conservation, physicochemical variation, residue mobility, and thermodynamic stability) performed at Invitae indicates that this missense variant is not expected to disrupt SCN10A protein function. ClinVar contains an entry for this variant (Variation ID: 1486081). This variant has not been reported in the literature in individuals affected with SCN10A-related conditions. This sequence change replaces aspartic acid, which is acidic and polar, with glutamic acid, which is acidic and polar, at codon 480 of the SCN10A protein (p.Asp480Glu).

NM_006514.4(SCN10A):c.1440T>A (p.Asp480Glu)

Gene: SCN10A (sodium voltage-gated channel alpha subunit 10; minus strand). Cytogenetic location: 3p22.2.
Variant type: single nucleotide variant.
Coding change: c.1440T>A on transcript NM_006514.4 (MANE Select); coding-DNA position 1440, T replaced by A.
Protein change: p.Asp480Glu; replaces aspartic acid 480 with glutamic acid.
Molecular consequence: missense variant.
Genome position (GRCh38, 1-based): chr3:38,755,809, A>T on the plus strand (T>A on the coding strand, the complement: SCN10A is on the minus strand). VCF-style: chr3-38755809-A-T. GRCh37 (hg19) VCF-style: chr3-38797300-A-T.
Other names: c.1440T>A, p.Asp480Glu (NM_001293306.2, NM_001293307.2); short protein forms D480E.
Identifiers: ClinVar variation 1486081 (VCV001486081.6), dbSNP rs2126026998, ClinGen allele CA352168742.